The following is an entry in ClinVar:

NM_004204.5(PIGQ):c.755A>C (p.His252Pro)

Gene: PIGQ (phosphatidylinositol glycan anchor biosynthesis class Q; plus strand). Cytogenetic location: 16p13.3.
Variant type: single nucleotide variant.
Coding change: c.755A>C on transcript NM_004204.5 (MANE Select); coding-DNA position 755, A replaced by C.
Protein change: p.His252Pro; replaces histidine 252 with proline.
Molecular consequence: missense variant.
Genome position (GRCh38, 1-based): chr16:575,904, A>C. VCF-style: chr16-575904-A-C. GRCh37 (hg19) VCF-style: chr16-625904-A-C.
Other names: c.755A>C, p.His252Pro (NM_148920.4); short protein forms H252P.
Identifiers: ClinVar variation 1460499 (VCV001460499.6), dbSNP rs2035708379, ClinGen allele CA394051755.

ClinVar aggregate classification (germline): Uncertain significance (1 of 4 stars; one submission).

Conditions:
Epilepsy. Also called: Seizure disorder. Identifiers: MedGen C0014544, MeSH D004827, MONDO:0005027.

Submission:

Labcorp Genetics (formerly Invitae), Labcorp
Classification: Uncertain significance for Epilepsy. Last evaluated: 2021-02-07. Review status: criteria provided, single submitter. Criteria: Invitae Variant Classification Sherloc (09022015). Collection method: clinical testing. Allele origin: germline.
Comment: In summary, the available evidence is currently insufficient to determine the role of this variant in disease. Therefore, it has been classified as a Variant of Uncertain Significance. Algorithms developed to predict the effect of missense changes on protein structure and function are either unavailable or do not agree on the potential impact of this missense change (SIFT: "Deleterious"; PolyPhen-2: "Possibly Damaging"; Align-GVGD: "Class C0"). This variant has not been reported in the literature in individuals with PIGQ-related conditions. This variant is not present in population databases (ExAC no frequency). This sequence change replaces histidine with proline at codon 252 of the PIGQ protein (p.His252Pro). The histidine residue is moderately conserved and there is a moderate physicochemical difference between histidine and proline.